The following is an entry in ClinVar:

NM_003750.4(EIF3A):c.3817C>A (p.Arg1273Ser)

Gene: EIF3A (eukaryotic translation initiation factor 3 subunit A; minus strand). Cytogenetic location: 10q26.11.
Variant type: single nucleotide variant.
Coding change: c.3817C>A on transcript NM_003750.4 (MANE Select); coding-DNA position 3817, C replaced by A.
Protein change: p.Arg1273Ser; replaces arginine 1273 with serine.
Molecular consequence: missense variant.
Genome position (GRCh38, 1-based): chr10:119,037,221, G>T on the plus strand (C>A on the coding strand, the complement: EIF3A is on the minus strand). VCF-style: chr10-119037221-G-T. GRCh37 (hg19) VCF-style: chr10-120796733-G-T.
Other names: short protein forms R1273S.
Identifiers: ClinVar variation 4538142 (VCV004538142.2).

ClinVar aggregate classification (germline): Likely pathogenic (1 of 4 stars; one submission).

Submission:

GeneDx
Classification: Likely pathogenic. Last evaluated: 2026-03-13. Review status: criteria provided, single submitter. Criteria: GeneDx Variant Classification Process June 2021. Collection method: clinical testing. Allele origin: germline.
Comment: Not observed at significant frequency in large population cohorts (gnomAD); In silico analysis suggests that this missense variant does not alter protein structure/function; Has not been previously published as pathogenic or benign to our knowledge